The following is an entry in ClinVar:

ClinVar aggregate classification (germline): Uncertain significance (1 of 4 stars; one submission).

Allele frequency attached by ClinVar (database versions not stated): TOPMed 0.00002; ExAC 0.00003; gnomAD exomes 0.00003; gnomAD 0.00004 and 0.00005; 1000 Genomes Project 30x 0.00016; 1000 Genomes Project 0.00020.
gnomAD v4.1: 28 of 1,612,538 alleles (0.0017%); highest among the groups gnomAD compares: South Asian, 0.021%; no homozygotes.

Submission:

Labcorp Genetics (formerly Invitae), Labcorp
Classification: Uncertain significance. Last evaluated: 2025-02-01. Review status: criteria provided, single submitter. Criteria: Invitae Variant Classification Sherloc (09022015). Collection method: clinical testing. Allele origin: germline.
Comment: This sequence change replaces methionine, which is neutral and non-polar, with threonine, which is neutral and polar, at codon 25 of the PRPF8 protein (p.Met25Thr). This variant is present in population databases (rs537516822, gnomAD 0.02%). This missense change has been observed in individual(s) with primary open angle glaucoma (PMID: 28707069). ClinVar contains an entry for this variant (Variation ID: 1034446). An algorithm developed to predict the effect of missense changes on protein structure and function (PolyPhen-2) suggests that this variant is likely to be tolerated. In summary, the available evidence is currently insufficient to determine the role of this variant in disease. Therefore, it has been classified as a Variant of Uncertain Significance.

Literature cited by the submitters: PubMed 28707069.

NM_006445.4(PRPF8):c.74T>C (p.Met25Thr)

Gene: PRPF8 (pre-mRNA processing factor 8; minus strand). Cytogenetic location: 17p13.3.
Variant type: single nucleotide variant.
Coding change: c.74T>C on transcript NM_006445.4 (MANE Select); coding-DNA position 74, T replaced by C.
Protein change: p.Met25Thr; replaces methionine 25 with threonine.
Molecular consequence: missense variant.
Genome position (GRCh38, 1-based): chr17:1,684,498, A>G on the plus strand (T>C on the coding strand, the complement: PRPF8 is on the minus strand). VCF-style: chr17-1684498-A-G. GRCh37 (hg19) VCF-style: chr17-1587792-A-G.
Other names: short protein forms M25T.
Identifiers: ClinVar variation 1034446 (VCV001034446.5), dbSNP rs537516822, ClinGen allele CA8272748.